The following is an entry in ClinVar:

ClinVar aggregate classification (germline): Uncertain significance. Review status: criteria provided, multiple submitters, no conflicts (2 of 4 stars). 3 submissions from 3 submitters: Uncertain significance (3). Last evaluated 2024-03-12.

Conditions:
Oligodontia-cancer predisposition syndrome. Also called: TOOTH AGENESIS-COLORECTAL CANCER SYNDROME. Identifiers: Orphanet 300576, MedGen C1837750, MONDO:0012075, OMIM 608615. Disease mechanism: loss of function.
Colorectal cancer. Also called: Malignant Colorectal Neoplasm; Colorectal cancer, somatic. Identifiers: MedGen C0346629, MONDO:0005575, OMIM 114500.
Hereditary cancer-predisposing syndrome. Also called: Tumor predisposition; Hereditary neoplastic syndrome; Neoplastic Syndromes, Hereditary; Hereditary Cancer Syndrome. Identifiers: Orphanet 140162, MedGen C0027672, MeSH D009386, MONDO:0015356.

gnomAD v4.1: 2 of 1,614,036 alleles (0.00012%); highest among the groups gnomAD compares: Non-Finnish European, 0.00017%; no homozygotes.

Submissions (3):

Baylor Genetics
Classification: Uncertain significance for Colorectal cancer. Last evaluated: 2024-03-12. Review status: criteria provided, single submitter. Criteria: ACMG Guidelines, 2015. Collection method: clinical testing. Allele origin: unknown.

Ambry Genetics
Classification: Uncertain significance for Hereditary cancer-predisposing syndrome. Last evaluated: 2023-08-09. Review status: criteria provided, single submitter. Criteria: Ambry Variant Classification Scheme 2023. Collection method: clinical testing. Allele origin: germline.
Comment: The p.F542L variant (also known as c.1624T>C), located in coding exon 5 of the AXIN2 gene, results from a T to C substitution at nucleotide position 1624. The phenylalanine at codon 542 is replaced by leucine, an amino acid with highly similar properties. This amino acid position is not well conserved in available vertebrate species, and leucine is the reference amino acid in other vertebrate species. In addition, this alteration is predicted to be tolerated by in silico analysis. Since supporting evidence is limited at this time, the clinical significance of this alteration remains unclear.

Labcorp Genetics (formerly Invitae), Labcorp
Classification: Uncertain significance for Oligodontia-cancer predisposition syndrome. Last evaluated: 2021-08-27. Review status: criteria provided, single submitter. Criteria: Invitae Variant Classification Sherloc (09022015). Collection method: clinical testing. Allele origin: germline.
Comment: This sequence change replaces phenylalanine with leucine at codon 542 of the AXIN2 protein (p.Phe542Leu). The phenylalanine residue is weakly conserved and there is a small physicochemical difference between phenylalanine and leucine. This variant is not present in population databases (ExAC no frequency). This variant has not been reported in the literature in individuals affected with AXIN2-related conditions. Algorithms developed to predict the effect of missense changes on protein structure and function output the following: SIFT: "Tolerated"; PolyPhen-2: "Benign"; Align-GVGD: "Class C0". The leucine amino acid residue is found in multiple mammalian species, which suggests that this missense change does not adversely affect protein function. In summary, the available evidence is currently insufficient to determine the role of this variant in disease. Therefore, it has been classified as a Variant of Uncertain Significance.

NM_004655.4(AXIN2):c.1624T>C (p.Phe542Leu)

Gene: AXIN2 (axin 2; minus strand). Cytogenetic location: 17q24.1.
Variant type: single nucleotide variant.
Coding change: c.1624T>C on transcript NM_004655.4 (MANE Select); coding-DNA position 1624, T replaced by C.
Protein change: p.Phe542Leu; replaces phenylalanine 542 with leucine.
Molecular consequence: missense variant.
Genome position (GRCh38, 1-based): chr17:65,537,412, A>G on the plus strand (T>C on the coding strand, the complement: AXIN2 is on the minus strand). VCF-style: chr17-65537412-A-G. GRCh37 (hg19) VCF-style: chr17-63533530-A-G.
Other names: c.1624T>C, p.Phe542Leu (NM_001363813.1); short protein forms F542L.
Identifiers: ClinVar variation 845420 (VCV000845420.7), dbSNP rs771197210, ClinGen allele CA400677116.